The following is an entry in ClinVar:

NM_004260.4(RECQL4):c.2945G>C (p.Ser982Thr)

Gene: RECQL4 (RecQ like helicase 4; minus strand). Cytogenetic location: 8q24.3.
Variant type: single nucleotide variant.
Coding change: c.2945G>C on transcript NM_004260.4 (MANE Select); coding-DNA position 2945, G replaced by C.
Protein change: p.Ser982Thr; replaces serine 982 with threonine.
Molecular consequence: missense variant.
Genome position (GRCh38, 1-based): chr8:144,512,502, C>G on the plus strand (G>C on the coding strand, the complement: RECQL4 is on the minus strand). VCF-style: chr8-144512502-C-G. GRCh37 (hg19) VCF-style: chr8-145737885-C-G.
Other names: short protein forms S982T.
Identifiers: ClinVar variation 834758 (VCV000834758.6), dbSNP rs1158680101, ClinGen allele CA372673258.

ClinVar aggregate classification (germline): Uncertain significance (1 of 4 stars; one submission).

Conditions:
Baller-Gerold syndrome (BGS). Also called: CRANIOSYNOSTOSIS WITH RADIAL DEFECTS. Identifiers: Orphanet 1225, MedGen C0265308, MONDO:0009039, OMIM 218600.

Allele frequency attached by ClinVar (database versions not stated): gnomAD exomes below 0.00001.

Submission:

Labcorp Genetics (formerly Invitae), Labcorp
Classification: Uncertain significance for Baller-Gerold syndrome. Last evaluated: 2023-07-17. Review status: criteria provided, single submitter. Criteria: Invitae Variant Classification Sherloc (09022015). Collection method: clinical testing. Allele origin: germline.
Comment: In summary, the available evidence is currently insufficient to determine the role of this variant in disease. Therefore, it has been classified as a Variant of Uncertain Significance. Advanced modeling of protein sequence and biophysical properties (such as structural, functional, and spatial information, amino acid conservation, physicochemical variation, residue mobility, and thermodynamic stability) performed at Invitae indicates that this missense variant is not expected to disrupt RECQL4 protein function. ClinVar contains an entry for this variant (Variation ID: 834758). This variant has not been reported in the literature in individuals affected with RECQL4-related conditions. This variant is present in population databases (no rsID available, gnomAD 0.007%). This sequence change replaces serine, which is neutral and polar, with threonine, which is neutral and polar, at codon 982 of the RECQL4 protein (p.Ser982Thr).